The following is an entry in ClinVar:

ClinVar aggregate classification (germline): Pathogenic/Likely pathogenic. Review status: criteria provided, multiple submitters, no conflicts (2 of 4 stars). 2 submissions from 2 submitters: Pathogenic (1); Likely pathogenic (1). Last evaluated 2024-11-20.

Conditions:
Autosomal recessive nonsyndromic hearing loss 77. Identifiers: Orphanet 90636, MedGen C2746083, MONDO:0013119, OMIM 613079.

Submissions (2):

Labcorp Genetics (formerly Invitae), Labcorp
Classification: Pathogenic. Last evaluated: 2024-11-20. Review status: criteria provided, single submitter. Criteria: Invitae Variant Classification Sherloc (09022015). Collection method: clinical testing. Allele origin: germline.
Comment: This sequence change creates a premature translational stop signal (p.Thr1614Alafs*3) in the LOXHD1 gene. It is expected to result in an absent or disrupted protein product. Loss-of-function variants in LOXHD1 are known to be pathogenic (PMID: 19732867, 21465660, 25792669). This variant is present in population databases (no rsID available, gnomAD 0.002%). This variant has not been reported in the literature in individuals affected with LOXHD1-related conditions. For these reasons, this variant has been classified as Pathogenic.

Fulgent Genetics
Classification: Likely pathogenic for Autosomal recessive nonsyndromic hearing loss 77. Last evaluated: 2024-02-03. Review status: criteria provided, single submitter. Criteria: ACMG Guidelines, 2015. Collection method: clinical testing. Allele origin: germline.

Literature cited by the submitters: PubMed 19732867 (cited by Labcorp Genetics (formerly Invitae), Labcorp); PubMed 21465660 (cited by Labcorp Genetics (formerly Invitae), Labcorp); PubMed 25792669 (cited by Labcorp Genetics (formerly Invitae), Labcorp).

NM_001384474.1(LOXHD1):c.4832_4839dup (p.Thr1614delinsAlaGlnTer)

Gene: LOXHD1 (lipoxygenase homology PLAT domains 1; minus strand). Cytogenetic location: 18q21.1.
Variant type: Duplication.
Coding change: c.4832_4839dup on transcript NM_001384474.1 (MANE Select); coding-DNA positions 4832 to 4839, 8 bases duplicated (GCACAGTG; older notation c.4832_4839dupGCACAGTG).
Protein change: p.Thr1614delinsAlaGlnTer.
Molecular consequence: nonsense.
Genome position (GRCh38, 1-based): chr18:46,524,503-46,524,510, CACTGTGC duplicated on the plus strand (GCACAGTG on the coding strand, the reverse complement: LOXHD1 is on the minus strand). VCF-style (leftmost placement, unchanged base first): chr18-46524502-T-TCACTGTGC. GRCh37 (hg19) VCF-style: chr18-44104465-T-TCACTGTGC.
Other names: c.1499_1506dup, p.Thr503delinsAlaGlnTer (NM_001145472.3); c.1211_1218dup, p.Thr407delinsAlaGlnTer (NM_001308013.2); c.4832_4839dup, p.Thr1614delinsAlaGlnTer (NM_144612.7); c.4832_4839dup (NM_144612.6).
Identifiers: ClinVar variation 3583347 (VCV003583347.3).